The following is an entry in ClinVar:

NM_144670.6(A2ML1):c.2848+4A>C

Gene: A2ML1 (alpha-2-macroglobulin like 1; plus strand). Cytogenetic location: 12p13.31.
Variant type: single nucleotide variant.
Coding change: c.2848+4A>C on transcript NM_144670.6 (MANE Select); 4 bases into the intron after coding-DNA position 2848, A replaced by C.
Molecular consequence: intron variant.
Genome position (GRCh38, 1-based): chr12:8,855,596, A>C. VCF-style: chr12-8855596-A-C. GRCh37 (hg19) VCF-style: chr12-9008192-A-C.
Other names: c.1375+4A>C (NM_001282424.3); c.2848+4A>C (NM_144670.5).
Identifiers: ClinVar variation 665729 (VCV000665729.7), dbSNP rs375308468, ClinGen allele CA6436166.

ClinVar aggregate classification (germline): Uncertain significance. Review status: criteria provided, multiple submitters, no conflicts (2 of 4 stars). 2 submissions from 2 submitters: Uncertain significance (2). Last evaluated 2025-09-08.

Conditions:
A2ML1-related disorder. Also called: A2ML1-related condition.

Allele frequency attached by ClinVar (database versions not stated): gnomAD 0.00006; TOPMed 0.00006; ESP Exome Variant Server 0.00008; gnomAD exomes 0.00011.
gnomAD v4.1: 170 of 1,614,068 alleles (0.011%); highest among the groups gnomAD compares: Non-Finnish European, 0.014%; no homozygotes.

Submissions (2):

Labcorp Genetics (formerly Invitae), Labcorp
Classification: Uncertain significance. Last evaluated: 2025-09-08. Review status: criteria provided, single submitter. Criteria: Invitae Variant Classification Sherloc (09022015). Collection method: clinical testing. Allele origin: germline.
Comment: This sequence change falls in intron 23 of the A2ML1 gene. It does not directly change the encoded amino acid sequence of the A2ML1 protein. It affects a nucleotide within the consensus splice site. This variant is present in population databases (rs375308468, gnomAD 0.005%). This variant has not been reported in the literature in individuals affected with A2ML1-related conditions. ClinVar contains an entry for this variant (Variation ID: 665729). Variants that disrupt the consensus splice site are a relatively common cause of aberrant splicing (PMID: 17576681, 9536098). Algorithms developed to predict the effect of sequence changes on RNA splicing suggest that this variant may disrupt the consensus splice site. In summary, the available evidence is currently insufficient to determine the role of this variant in disease. Therefore, it has been classified as a Variant of Uncertain Significance.

PreventionGenetics, part of Exact Sciences
Classification: Uncertain significance for A2ML1-related condition. Last evaluated: 2025-03-17. Review status: criteria provided, single submitter. Criteria: ACMG Guidelines, 2015. Collection method: clinical testing. Allele origin: germline.
Comment: The A2ML1 c.2848+4A>C variant is predicted to interfere with splicing. This variant is predicted to impact splicing based on available splicing prediction programs (SpliceAI, Jaganathan et al. 2019. PubMed ID: 30661751). To our knowledge, this variant has not been reported in the literature. This variant is reported in 0.0054% of alleles in individuals of European (Non-Finnish) descent in gnomAD. At this time, the clinical significance of this variant is uncertain due to the absence of conclusive functional and genetic evidence.

Literature cited by the submitters: PubMed 17576681 (cited by Labcorp Genetics (formerly Invitae), Labcorp); PubMed 9536098 (cited by Labcorp Genetics (formerly Invitae), Labcorp).